The following is an entry in ClinVar:

ClinVar aggregate classification (germline): Pathogenic (1 of 4 stars; one submission).

Conditions:
Neuronal ceroid lipofuscinosis. Also called: Neuronal Ceroid Lipofuscinoses. Identifiers: Orphanet 216, Orphanet 79263, MedGen C0027877, MONDO:0016295. Disease mechanism: loss of function.

Submission:

Labcorp Genetics (formerly Invitae), Labcorp
Classification: Pathogenic for Neuronal ceroid lipofuscinosis. Last evaluated: 2021-07-20. Review status: criteria provided, single submitter. Criteria: Invitae Variant Classification Sherloc (09022015). Collection method: clinical testing. Allele origin: unknown.
Comment: For these reasons, this variant has been classified as Pathogenic. This variant disrupts a region of the CLN5 protein in which other variant(s) (p.Tyr392*) have been determined to be pathogenic (PMID: 9662406; Invitae). This suggests that this is a clinically significant region of the protein, and that variants that disrupt it are likely to be disease-causing. A similar copy number variant has been observed in individual(s) with neuronal ceroid lipofuscinosis (PMID: 20157158). This variant results in the deletion of part of exon 4 (c.752_*2057del) of the CLN5 gene. While this deletion is not anticipated to lead to nonsense mediated decay, it is expected to alter mRNA translation or result in a truncated protein product.

Literature cited by the submitters: PubMed 9662406; PubMed 20157158.

NC_000013.10:g.(?_77574632)_(77577161_?)del

Gene: CLN5 (CLN5 lysosomal BMP synthase; plus strand). Cytogenetic location: 13q22.3.
Variant type: Deletion.
Identifiers: ClinVar variation 3244119 (VCV003244119.1).